The following is an entry in ClinVar:

ClinVar aggregate classification (germline): Likely benign (0 of 4 stars; one submission).

Conditions:
DISP1-related disorder. Also called: DISP1-related condition.

Allele frequency attached by ClinVar (database versions not stated): gnomAD 0.00001; gnomAD exomes 0.00001.
gnomAD v4.1: 6 of 1,613,840 alleles (0.00037%); highest among the groups gnomAD compares: Non-Finnish European, 0.00051%; no homozygotes.

Submission:

PreventionGenetics, part of Exact Sciences
Classification: Likely benign for DISP1-related condition. Last evaluated: 2023-05-04. Review status: no assertion criteria provided. Collection method: clinical testing. Allele origin: germline.
Comment: This variant is classified as likely benign based on ACMG/AMP sequence variant interpretation guidelines (Richards et al. 2015 PMID: 25741868, with internal and published modifications).

NM_001377229.1(DISP1):c.1464G>A (p.Glu488=)

Gene: DISP1 (dispatched RND transporter family member 1; plus strand). Cytogenetic location: 1q41.
Variant type: single nucleotide variant.
Coding change: c.1464G>A on transcript NM_001377229.1 (MANE Select); coding-DNA position 1464, G replaced by A.
Protein change: p.Glu488=; no amino-acid change (glutamic acid 488 retained).
Molecular consequence: synonymous variant.
Genome position (GRCh38, 1-based): chr1:223,002,861, G>A. VCF-style: chr1-223002861-G-A. GRCh37 (hg19) VCF-style: chr1-223176203-G-A.
Other names: c.735G>A, p.Glu245= (NM_001350630.2); c.1464G>A, p.Glu488= (NM_001369594.1, NM_001377228.1, NM_032890.5).
Identifiers: ClinVar variation 3055067 (VCV003055067.2), dbSNP rs1480537105, ClinGen allele CA423722170.